The following is an entry in ClinVar:

NM_000038.6(APC):c.8524T>G (p.Ser2842Ala)

Gene: APC (APC regulator of Wnt signaling pathway; plus strand). Cytogenetic location: 5q22.2.
Variant type: single nucleotide variant.
Coding change: c.8524T>G on transcript NM_000038.6 (MANE Select); coding-DNA position 8524, T replaced by G.
Protein change: p.Ser2842Ala; replaces serine 2842 with alanine.
Molecular consequence: missense variant.
Genome position (GRCh38, 1-based): chr5:112,844,118, T>G. VCF-style: chr5-112844118-T-G. GRCh37 (hg19) VCF-style: chr5-112179815-T-G.
Other names: c.8524T>G, p.Ser2842Ala (NM_001127510.3, NM_001354895.2); c.8470T>G, p.Ser2824Ala (NM_001127511.3); c.8578T>G, p.Ser2860Ala (NM_001354896.2); c.8554T>G, p.Ser2852Ala (NM_001354897.2); c.8449T>G, p.Ser2817Ala (NM_001354898.2); c.8440T>G, p.Ser2814Ala (NM_001354899.2); c.8401T>G, p.Ser2801Ala (NM_001354900.2); c.8347T>G, p.Ser2783Ala (NM_001354901.2); and 5 more; short protein forms S2842A, S2824A, S2716A, S2741A, S2801A, S2817A, S2852A, S2559A.
Identifiers: ClinVar variation 135728 (VCV000135728.28), dbSNP rs587780610, ClinGen allele CA015593.

ClinVar aggregate classification (germline): Conflicting classifications of pathogenicity. Review status: criteria provided, conflicting classifications (1 of 4 stars). 8 submissions from 8 submitters: Uncertain significance (7); Likely benign (1). Last evaluated 2025-12-22.

Conditions:
Classic or attenuated familial adenomatous polyposis. Identifiers: MedGen CN372698, MONDO:0021057.
APC-related disorder. Also called: APC-related condition.
Hereditary cancer-predisposing syndrome. Also called: Neoplastic Syndromes, Hereditary; Hereditary Cancer Syndrome; Tumor predisposition; Hereditary neoplastic syndrome. Identifiers: Orphanet 140162, MedGen C0027672, MeSH D009386, MONDO:0015356.
Familial adenomatous polyposis 1 (FAP1). Also called: FAMILIAL ADENOMATOUS POLYPOSIS 1, ATTENUATED; POLYPOSIS, ADENOMATOUS INTESTINAL. Identifiers: MedGen C2713442, MONDO:0021056, OMIM 175100. Disease mechanism: loss of function.

Allele frequency attached by ClinVar (database versions not stated): TOPMed 0.00002; gnomAD exomes 0.00001.
gnomAD v4.1: 8 of 1,611,664 alleles (0.0005%); highest among the groups gnomAD compares: Admixed American, 0.0033%; no homozygotes.

Submissions (8):

Dasa
Classification: Uncertain significance. Last evaluated: 2025-12-22. Review status: criteria provided, single submitter. Criteria: DASA Assertion Criteria. Collection method: clinical testing. Allele origin: germline.
Comment: NM_000038.6(APC):c.8524T>G (p.Ser2842Ala) is a missense variant that results in the substitution of serine with alanine. This variant is rare in population databases. The currently available literature and clinical evidence are not sufficient to establish a definitive association between this variant and the reported condition. Therefore, this variant is classified as a variant of uncertain significance.

Ambry Genetics
Classification: Uncertain significance for Hereditary cancer-predisposing syndrome. Last evaluated: 2025-11-30. Review status: criteria provided, single submitter. Criteria: Ambry Variant Classification Scheme 2023. Collection method: clinical testing. Allele origin: germline.
Comment: The p.S2842A variant (also known as c.8524T>G), located in coding exon 15 of the APC gene, results from a T to G substitution at nucleotide position 8524. The serine at codon 2842 is replaced by alanine, an amino acid with similar properties. This amino acid position is highly conserved in available vertebrate species. In addition, in silico predictors for this gene do not accurately predict pathogenicity. Since supporting evidence is limited at this time, the clinical significance of this alteration remains unclear.

Labcorp Genetics (formerly Invitae), Labcorp
Classification: Uncertain significance for Familial adenomatous polyposis 1. Last evaluated: 2025-08-18. Review status: criteria provided, single submitter. Criteria: Invitae Variant Classification Sherloc (09022015). Collection method: clinical testing. Allele origin: germline.
Comment: This sequence change replaces serine, which is neutral and polar, with alanine, which is neutral and non-polar, at codon 2842 of the APC protein (p.Ser2842Ala). This variant is present in population databases (rs587780610, gnomAD 0.006%). This variant has not been reported in the literature in individuals affected with APC-related conditions. ClinVar contains an entry for this variant (Variation ID: 135728). Invitae Evidence Modeling of protein sequence and biophysical properties (such as structural, functional, and spatial information, amino acid conservation, physicochemical variation, residue mobility, and thermodynamic stability) indicates that this missense variant is not expected to disrupt APC protein function with a negative predictive value of 95%. Experimental studies are conflicting or provide insufficient evidence to determine the effect of this variant on APC function (PMID: 22434720). RNA analysis performed to evaluate the impact of this missense change on mRNA splicing indicates it does not significantly alter splicing (internal data). In summary, the available evidence is currently insufficient to determine the role of this variant in disease. Therefore, it has been classified as a Variant of Uncertain Significance.

All of Us Research Program, National Institutes of Health
Classification: Uncertain significance for Classic or attenuated familial adenomatous polyposis. Last evaluated: 2024-05-14. Review status: criteria provided, single submitter. Criteria: ACMG Guidelines, 2015. Collection method: clinical testing. Allele origin: germline. Inheritance: Autosomal dominant inheritance. Observed: 2 variant alleles, 2 heterozygotes.
Comment: This missense variant replaces serine with alanine at codon 2842 of the APC protein. Computational prediction suggests that this variant may not impact protein structure and function (internally defined REVEL score threshold <= 0.5, PMID: 27666373). An experimental study reported this variant did not affect binding of APC to PDZ domain containing partners (PMID: 22434720). This variant has not been reported in individuals affected with APC-related disorders in the literature. This variant has been identified in 3/250534 chromosomes in the general population by the Genome Aggregation Database (gnomAD). The available evidence is insufficient to determine the role of this variant in disease conclusively. Therefore, this variant is classified as a Variant of Uncertain Significance.

This study involves interpretation of variants in research participants for the purpose of population health screening. Participant phenotype was not available at the time of variant classification. Additional details can be found in publication PMID: 35346344, PMCID: PMC8962531

Color Diagnostics, LLC DBA Color Health
Classification: Uncertain significance for Hereditary cancer-predisposing syndrome. Last evaluated: 2024-05-01. Review status: criteria provided, single submitter. Criteria: ACMG Guidelines, 2015. Collection method: clinical testing. Allele origin: germline.
Comment: This missense variant replaces serine with alanine at codon 2842 of the APC protein. Computational prediction suggests that this variant may not impact protein structure and function (internally defined REVEL score threshold <= 0.5, PMID: 27666373). An experimental study reported this variant did not affect binding of APC to PDZ domain containing partners (PMID: 22434720). This variant has not been reported in individuals affected with APC-related disorders in the literature. This variant has been identified in 3/250534 chromosomes in the general population by the Genome Aggregation Database (gnomAD). The available evidence is insufficient to determine the role of this variant in disease conclusively. Therefore, this variant is classified as a Variant of Uncertain Significance.

Mendelics
Classification: Likely benign for Familial adenomatous polyposis 1. Last evaluated: 2024-04-09. Review status: criteria provided, single submitter. Criteria: ACMG Guidelines, 2015. Collection method: clinical testing. Allele origin: unknown.

Baylor Genetics
Classification: Uncertain significance for Familial adenomatous polyposis 1. Last evaluated: 2024-01-27. Review status: criteria provided, single submitter. Criteria: ACMG Guidelines, 2015. Collection method: clinical testing. Allele origin: unknown.

PreventionGenetics, part of Exact Sciences
Classification: Uncertain significance for APC-related condition. Last evaluated: 2023-05-25. Review status: criteria provided, single submitter. Criteria: ACMG Guidelines, 2015. Collection method: clinical testing. Allele origin: germline.
Comment: The APC c.8524T>G variant is predicted to result in the amino acid substitution p.Ser2842Ala. To our knowledge, this variant has not been reported in individuals with APC-related conditions. This variant is reported in 0.0058% of alleles in individuals of Latino descent in gnomAD and interpreted as uncertain. At this time, the clinical significance of this variant is uncertain due to the absence of conclusive functional and genetic evidence.

Literature cited by the submitters: PubMed 22434720 (cited by 3 submitters).